The following is an entry in ClinVar:

ClinVar aggregate classification (germline): Uncertain significance (1 of 4 stars; one submission).

Conditions:
Aortic valve disease 2 (AOVD2). Identifiers: MedGen C3542024, MONDO:0013902, OMIM 614823.

Submission:

Labcorp Genetics (formerly Invitae), Labcorp
Classification: Uncertain significance for Aortic valve disease 2. Last evaluated: 2023-08-04. Review status: criteria provided, single submitter. Criteria: Invitae Variant Classification Sherloc (09022015). Collection method: clinical testing. Allele origin: germline.
Comment: This sequence change replaces serine, which is neutral and polar, with proline, which is neutral and non-polar, at codon 187 of the SMAD6 protein (p.Ser187Pro). This variant is not present in population databases (gnomAD no frequency). This variant has not been reported in the literature in individuals affected with SMAD6-related conditions. ClinVar contains an entry for this variant (Variation ID: 2118438). Advanced modeling of protein sequence and biophysical properties (such as structural, functional, and spatial information, amino acid conservation, physicochemical variation, residue mobility, and thermodynamic stability) performed at Invitae indicates that this missense variant is not expected to disrupt SMAD6 protein function. In summary, the available evidence is currently insufficient to determine the role of this variant in disease. Therefore, it has been classified as a Variant of Uncertain Significance.

NM_005585.5(SMAD6):c.559T>C (p.Ser187Pro)

Gene: SMAD6 (SMAD family member 6; plus strand). Cytogenetic location: 15q22.31.
Variant type: single nucleotide variant.
Coding change: c.559T>C on transcript NM_005585.5 (MANE Select); coding-DNA position 559, T replaced by C.
Protein change: p.Ser187Pro; replaces serine 187 with proline.
Molecular consequence: missense variant. On other transcripts: non-coding transcript variant (1).
Genome position (GRCh38, 1-based): chr15:66,703,817, T>C. VCF-style: chr15-66703817-T-C. GRCh37 (hg19) VCF-style: chr15-66996155-T-C.
Other names: short protein forms S187P.
Identifiers: ClinVar variation 2118438 (VCV002118438.4), dbSNP rs2545312223, ClinGen allele CA392949791.